The following is an entry in ClinVar:

ClinVar aggregate classification (germline): Likely benign. Review status: criteria provided, multiple submitters, no conflicts (2 of 4 stars). 3 submissions from 3 submitters: Likely benign (3). Last evaluated 2023-08-04.

Conditions:
Hereditary nonpolyposis colorectal neoplasms. Identifiers: MedGen C0009405, MeSH D003123.
Hereditary cancer-predisposing syndrome. Also called: Hereditary Cancer Syndrome; Neoplastic Syndromes, Hereditary; Tumor predisposition; Hereditary neoplastic syndrome. Identifiers: Orphanet 140162, MedGen C0027672, MeSH D009386, MONDO:0015356.

Submissions (3):

Labcorp Genetics (formerly Invitae), Labcorp
Classification: Likely benign for Hereditary nonpolyposis colorectal neoplasms. Last evaluated: 2023-08-04. Review status: criteria provided, single submitter. Criteria: Invitae Variant Classification Sherloc (09022015). Collection method: clinical testing. Allele origin: germline.

Ambry Genetics
Classification: Likely benign for Hereditary cancer-predisposing syndrome. Last evaluated: 2022-04-19. Review status: criteria provided, single submitter. Criteria: Ambry Variant Classification Scheme 2023. Collection method: clinical testing. Allele origin: germline.

GeneDx
Classification: Likely benign. Last evaluated: 2017-12-07. Review status: criteria provided, single submitter. Criteria: GeneDx Variant Classification (06012015). Collection method: clinical testing. Allele origin: germline. Affected: yes.
Comment: This variant is considered likely benign or benign based on one or more of the following criteria: it is a conservative change, it occurs at a poorly conserved position in the protein, it is predicted to be benign by multiple in silico algorithms, and/or has population frequency not consistent with disease.

NM_000179.3(MSH6):c.2727G>A (p.Leu909=)

Gene: MSH6 (mutS homolog 6; plus strand). Cytogenetic location: 2p16.3.
Variant type: single nucleotide variant.
Coding change: c.2727G>A on transcript NM_000179.3 (MANE Select); coding-DNA position 2727, G replaced by A.
Protein change: p.Leu909=; no amino-acid change (leucine 909 retained).
Molecular consequence: synonymous variant.
Genome position (GRCh38, 1-based): chr2:47,800,710, G>A. VCF-style: chr2-47800710-G-A. GRCh37 (hg19) VCF-style: chr2-48027849-G-A.
Other names: c.2337G>A, p.Leu779= (NM_001281492.2); c.1821G>A, p.Leu607= (NM_001281493.2, NM_001281494.2).
Identifiers: ClinVar variation 514062 (VCV000514062.12), dbSNP rs768356593, ClinGen allele CA426121581.